The following is an entry in ClinVar:

ClinVar aggregate classification (germline): Likely benign (0 of 4 stars; one submission).

Conditions:
EPHA3-related disorder. Also called: EPHA3-related condition.

Allele frequency attached by ClinVar (database versions not stated): ExAC 0.00019.
gnomAD v4.1: 93 of 1,613,938 alleles (0.0058%); highest among the groups gnomAD compares: Admixed American, 0.15%; no homozygotes.

Submission:

PreventionGenetics, part of Exact Sciences
Classification: Likely benign for EPHA3-related condition. Last evaluated: 2019-04-10. Review status: no assertion criteria provided. Collection method: clinical testing. Allele origin: germline.
Comment: This variant is classified as likely benign based on ACMG/AMP sequence variant interpretation guidelines (Richards et al. 2015 PMID: 25741868, with internal and published modifications).

NM_005233.6(EPHA3):c.72G>T (p.Pro24=)

Gene: EPHA3 (EPH receptor A3; plus strand). Cytogenetic location: 3p11.1.
Variant type: single nucleotide variant.
Coding change: c.72G>T on transcript NM_005233.6 (MANE Select); coding-DNA position 72, G replaced by T.
Protein change: p.Pro24=; no amino-acid change (proline 24 retained).
Molecular consequence: synonymous variant.
Genome position (GRCh38, 1-based): chr3:89,107,820, G>T. VCF-style: chr3-89107820-G-T. GRCh37 (hg19) VCF-style: chr3-89156970-G-T.
Other names: c.72G>T, p.Pro24= (NM_001410778.1, NM_182644.3).
Identifiers: ClinVar variation 3057804 (VCV003057804.2), dbSNP rs200437524, ClinGen allele CA2502205.